The following is an entry in ClinVar:

NM_006297.3(XRCC1):c.1293G>C (p.Lys431Asn)

Gene: XRCC1 (X-ray repair cross complementing 1; minus strand). Cytogenetic location: 19q13.31.
Variant type: single nucleotide variant.
Coding change: c.1293G>C on transcript NM_006297.3 (MANE Select); coding-DNA position 1293, G replaced by C.
Protein change: p.Lys431Asn; replaces lysine 431 with asparagine.
Molecular consequence: missense variant.
Genome position (GRCh38, 1-based): chr19:43,546,884, C>G on the plus strand (G>C on the coding strand, the complement: XRCC1 is on the minus strand). VCF-style: chr19-43546884-C-G. GRCh37 (hg19) VCF-style: chr19-44051036-C-G.
Other names: short protein forms K431N.
Identifiers: ClinVar variation 433531 (VCV000433531.2), dbSNP rs761564262, ClinGen allele CA9488475.

ClinVar aggregate classification (germline): Likely pathogenic. Review status: criteria provided, single submitter (1 of 4 stars). 2 submissions from 2 submitters: Likely pathogenic (1). 1 of the submissions does not count toward it. Last evaluated 2023-12-02.

Conditions:
Spinocerebellar ataxia, autosomal recessive 26. Identifiers: MedGen C4539948, MONDO:0033116, OMIM 617633.

Allele frequency attached by ClinVar (database versions not stated): gnomAD exomes 0.00002 and 0.00003; ExAC 0.00003.
gnomAD v4.1: 22 of 1,613,892 alleles (0.0014%); highest among the groups gnomAD compares: South Asian, 0.024%; 1 homozygote.

Submissions (2):

GeneDx
Classification: Likely pathogenic. Last evaluated: 2023-12-02. Review status: criteria provided, single submitter. Criteria: GeneDx Variant Classification Process June 2021. Collection method: clinical testing. Allele origin: germline. Affected: yes.
Comment: The last nucleotide of exon variant in a gene for which loss of function is a known mechanism of disease, and both splice predictors and evolutionary conservation support a deleterious effect, although in the absence of functional evidence the actual effect of this sequence change is unknown.; In silico analysis supports that this missense variant does not alter protein structure/function; This variant is associated with the following publications: (PMID: 34339737, 33163565, 29472272, 31374202, 28002403)

OMIM
Classification: Pathogenic for SPINOCEREBELLAR ATAXIA, AUTOSOMAL RECESSIVE 26 (1 patient). Last evaluated: 2017-08-22. Review status: no assertion criteria provided. Collection method: literature only. Allele origin: germline. Not counted in ClinVar's aggregate classification.

Literature cited by the submitters: PubMed 28002403 (cited by OMIM).